The following is an entry in ClinVar:

ClinVar aggregate classification (germline): Uncertain significance. Review status: criteria provided, multiple submitters, no conflicts (2 of 4 stars). 2 submissions from 2 submitters: Uncertain significance (2). Last evaluated 2025-04-28.

Allele frequency attached by ClinVar (database versions not stated): TOPMed 0.00001; gnomAD exomes 0.00002 and 0.00001; gnomAD 0.00001; ExAC 0.00002.
gnomAD v4.1: 15 of 1,613,052 alleles (0.00093%); highest among the groups gnomAD compares: Admixed American, 0.0067%; no homozygotes.

Submissions (2):

GeneDx
Classification: Uncertain significance. Last evaluated: 2025-04-28. Review status: criteria provided, single submitter. Criteria: GeneDx Variant Classification Process June 2021. Collection method: clinical testing. Allele origin: germline. Affected: yes.
Comment: Not observed at significant frequency in large population cohorts (gnomAD); In silico analysis indicates that this missense variant does not alter protein structure/function; Has not been previously published as pathogenic or benign to our knowledge

Labcorp Genetics (formerly Invitae), Labcorp
Classification: Uncertain significance. Last evaluated: 2023-11-27. Review status: criteria provided, single submitter. Criteria: Invitae Variant Classification Sherloc (09022015). Collection method: clinical testing. Allele origin: germline.
Comment: This sequence change replaces glutamic acid, which is acidic and polar, with lysine, which is basic and polar, at codon 770 of the WHRN protein (p.Glu770Lys). This variant is present in population databases (rs750380719, gnomAD 0.006%). This variant has not been reported in the literature in individuals affected with WHRN-related conditions. ClinVar contains an entry for this variant (Variation ID: 1055615). An algorithm developed to predict the effect of missense changes on protein structure and function (PolyPhen-2) suggests that this variant is likely to be disruptive. In summary, the available evidence is currently insufficient to determine the role of this variant in disease. Therefore, it has been classified as a Variant of Uncertain Significance.

NM_015404.4(WHRN):c.2308G>A (p.Glu770Lys)

Gene: WHRN (whirlin; minus strand). Cytogenetic location: 9q32.
Variant type: single nucleotide variant.
Coding change: c.2308G>A on transcript NM_015404.4 (MANE Select); coding-DNA position 2308, G replaced by A.
Protein change: p.Glu770Lys; replaces glutamic acid 770 with lysine.
Molecular consequence: missense variant.
Genome position (GRCh38, 1-based): chr9:114,404,006, C>T on the plus strand (G>A on the coding strand, the complement: WHRN is on the minus strand). VCF-style: chr9-114404006-C-T. GRCh37 (hg19) VCF-style: chr9-117166286-C-T.
Other names: c.1255G>A, p.Glu419Lys (NM_001346890.1); c.2308G>A (NM_015404.2); c.1159G>A, p.Glu387Lys (NM_001083885.3); c.2305G>A, p.Glu769Lys (NM_001173425.2); short protein forms E387K, E419K, E769K, E770K.
Identifiers: ClinVar variation 1055615 (VCV001055615.6), dbSNP rs750380719, ClinGen allele CA5205669.